The following is an entry in ClinVar:

ClinVar aggregate classification (germline): Uncertain significance. Review status: criteria provided, multiple submitters, no conflicts (2 of 4 stars). 2 submissions from 2 submitters: Uncertain significance (2). Last evaluated 2023-03-06.

Conditions:
Inborn genetic diseases. Identifiers: MedGen C0950123, MeSH D030342.

Allele frequency attached by ClinVar (database versions not stated): ExAC 0.00004; ESP Exome Variant Server 0.00015; gnomAD 0.00023; TOPMed 0.00031.
gnomAD v4.1: 62 of 1,613,876 alleles (0.0038%); highest among the groups gnomAD compares: African/African-American, 0.08%; no homozygotes.

Submissions (3):

Ambry Genetics
Classification: Uncertain significance for Inborn genetic diseases. Last evaluated: 2023-03-06. Review status: criteria provided, single submitter. Criteria: Ambry Variant Classification Scheme 2023. Collection method: clinical testing. Allele origin: germline.

Labcorp Genetics (formerly Invitae), Labcorp
Classification: Uncertain significance. Last evaluated: 2022-08-22. Review status: criteria provided, single submitter. Criteria: Invitae Variant Classification Sherloc (09022015). Collection method: clinical testing. Allele origin: germline.
Comment: This sequence change replaces aspartic acid, which is acidic and polar, with glycine, which is neutral and non-polar, at codon 577 of the TRIM37 protein (p.Asp577Gly). This variant is present in population databases (rs139747073, gnomAD 0.06%). This variant has not been reported in the literature in individuals affected with TRIM37-related conditions. Algorithms developed to predict the effect of missense changes on protein structure and function are either unavailable or do not agree on the potential impact of this missense change (SIFT: "Not Available"; PolyPhen-2: "Possibly Damaging"; Align-GVGD: "Not Available"). In summary, the available evidence is currently insufficient to determine the role of this variant in disease. Therefore, it has been classified as a Variant of Uncertain Significance.

Dr. Peter K. Rogan Lab, Western University
No classification provided (evidence only). Condition: Cholangiocarcinoma. Review status: no classification provided. Collection method: in vitro. Allele origin: not applicable. Functional consequence: retained intron. Not counted in ClinVar's aggregate classification.

NM_015294.6(TRIM37):c.1730A>G (p.Asp577Gly)

Gene: TRIM37 (tripartite motif containing 37; minus strand). Cytogenetic location: 17q22.
Variant type: single nucleotide variant.
Coding change: c.1730A>G on transcript NM_015294.6 (MANE Select); coding-DNA position 1730, A replaced by G.
Protein change: p.Asp577Gly; replaces aspartic acid 577 with glycine.
Molecular consequence: missense variant. On other transcripts: non-coding transcript variant (2).
Genome position (GRCh38, 1-based): chr17:59,041,836, T>C on the plus strand (A>G on the coding strand, the complement: TRIM37 is on the minus strand). VCF-style: chr17-59041836-T-C. GRCh37 (hg19) VCF-style: chr17-57119197-T-C.
Other names: c.1730A>G, p.Asp577Gly (NM_001005207.5, NM_001320988.3, NM_001320989.3 and 1 more transcripts); c.1628A>G, p.Asp543Gly (NM_001320987.3, NM_001353082.2); c.1364A>G, p.Asp455Gly (NM_001320990.3); c.995A>G, p.Asp332Gly (NM_001353083.2); c.1730A>G (NM_015294.3); c.1268A>G, p.Asp423Gly (NM_001353085.2); c.1679A>G, p.Asp560Gly (NM_001353086.2); short protein forms D332G, D543G, D423G, D455G, D560G, D577G.
Identifiers: ClinVar variation 2150787 (VCV002150787.4), dbSNP rs139747073, ClinGen allele CA8678223.